The following is an entry in ClinVar:

NM_014314.4(RIGI):c.127G>T (p.Ala43Ser)

Gene: RIGI (RNA sensor RIG-I; minus strand). Cytogenetic location: 9p21.1.
Variant type: single nucleotide variant.
Coding change: c.127G>T on transcript NM_014314.4 (MANE Select); coding-DNA position 127, G replaced by T.
Protein change: p.Ala43Ser; replaces alanine 43 with serine.
Molecular consequence: missense variant. On other transcripts: 5 prime UTR variant (3).
Genome position (GRCh38, 1-based): chr9:32,500,919, C>A on the plus strand (G>T on the coding strand, the complement: RIGI is on the minus strand). VCF-style: chr9-32500919-C-A. GRCh37 (hg19) VCF-style: chr9-32500917-C-A.
Other names: c.127G>T, p.Ala43Ser (NM_001385907.1, NM_001385909.1, NM_001385913.1); c.-328G>T (NM_001385910.1, NM_001385914.1); c.-335G>T (NM_001385912.1); short protein forms A43S.
Identifiers: ClinVar variation 3022392 (VCV003022392.3), dbSNP rs1006937906, ClinGen allele CA373143501.
Genomic context (GRCh38, chr9:32,500,919, plus strand): 5'-CCAACAGGAACTTGAGAAAAAGTGTGGCAGCCTCCATTGGGCCCTTGTTGTTTTTCTCAG[C>A]CTGAATATACTGCACCTCTTCTACAAACAGAAGCAAAAATGACTCATCAAACTGCAGAAC-3'
Protein context (NP_055129.2, residues 33-53): FREEEVQYIQ[Ala43Ser]EKNNKGPMEA

ClinVar aggregate classification (germline): Uncertain significance (1 of 4 stars; one submission).

gnomAD v4.1: 2 of 1,614,028 alleles (0.00012%); highest among the groups gnomAD compares: Admixed American, 0.0017%; no homozygotes.

Submission:

Labcorp Genetics (formerly Invitae), Labcorp
Classification: Uncertain significance. Last evaluated: 2024-10-31. Review status: criteria provided, single submitter. Criteria: Invitae Variant Classification Sherloc (09022015). Collection method: clinical testing. Allele origin: germline.
Comment: This sequence change replaces alanine, which is neutral and non-polar, with serine, which is neutral and polar, at codon 43 of the DDX58 protein (p.Ala43Ser). This variant is present in population databases (no rsID available, gnomAD 0.003%). This variant has not been reported in the literature in individuals affected with DDX58-related conditions. ClinVar contains an entry for this variant (Variation ID: 3022392). An algorithm developed to predict the effect of missense changes on protein structure and function (PolyPhen-2) suggests that this variant is likely to be tolerated. In summary, the available evidence is currently insufficient to determine the role of this variant in disease. Therefore, it has been classified as a Variant of Uncertain Significance.